The following is an entry in ClinVar:

NM_001142864.4(PIEZO1):c.6990C>T (p.Pro2330=)

Gene: PIEZO1 (piezo type mechanosensitive ion channel component 1 (Er blood group); minus strand). Cytogenetic location: 16q24.3.
Variant type: single nucleotide variant.
Coding change: c.6990C>T on transcript NM_001142864.4 (MANE Select); coding-DNA position 6990, C replaced by T.
Protein change: p.Pro2330=; no amino-acid change (proline 2330 retained).
Molecular consequence: synonymous variant.
Genome position (GRCh38, 1-based): chr16:88,716,420, G>A on the plus strand (C>T on the coding strand, the complement: PIEZO1 is on the minus strand). VCF-style: chr16-88716420-G-A. GRCh37 (hg19) VCF-style: chr16-88782828-G-A.
Other names: c.5532C>T, p.Pro1844= (NM_014745.1); c.6990C>T (NM_001142864.3).
Identifiers: ClinVar variation 2039679 (VCV002039679.15), dbSNP rs545326364, ClinGen allele CA8231438.
Genomic context (GRCh38, chr16:88,716,420, plus strand): 5'-CACAGACTGGTCCGAGGTGCCCTCGAGCAGGCTGGCCAGCTGCCGCCGTGCAGTGCTGTT[G>A]GGGGCCAGGGCCAGCATGTGCTTCTCGTTGGCATACTCCACAGTGCCTCCCTTCGCCAGG-3'
Protein context (NP_001136336.2, residues 2320-2340): ANEKHMLALA[Pro2330=]NSTARRQLAS

ClinVar aggregate classification (germline): Benign/Likely benign. Review status: criteria provided, multiple submitters, no conflicts (2 of 4 stars). 5 submissions from 5 submitters: Benign (1); Likely benign (3). 1 of the submissions does not count toward it. Last evaluated 2026-05-01.

Conditions:
PIEZO1-related disorder. Also called: PIEZO1-Related Disorders; PIEZO1-related condition.

Allele frequency attached by ClinVar (database versions not stated): gnomAD exomes 0.00013; ExAC 0.00040; gnomAD 0.00043; TOPMed 0.00049; 1000 Genomes Project 0.00060; 1000 Genomes Project 30x 0.00062.
gnomAD v4.1: 259 of 1,549,716 alleles (0.017%); highest among the groups gnomAD compares: African/African-American, 0.1%; no homozygotes.

Submissions (5):

CeGaT Center for Human Genetics Tuebingen
Classification: Likely benign. Last evaluated: 2026-05-01. Review status: criteria provided, single submitter. Criteria: CeGaT Center For Human Genetics Tuebingen Variant Classification Criteria Version 2. Collection method: clinical testing. Allele origin: germline. Affected: yes. Observed: 2 variant alleles.
Comment: PIEZO1: BP4, BP7

Labcorp Genetics (formerly Invitae), Labcorp
Classification: Likely benign. Last evaluated: 2025-12-29. Review status: criteria provided, single submitter. Criteria: Invitae Variant Classification Sherloc (09022015). Collection method: clinical testing. Allele origin: germline.

ARUP Laboratories, Molecular Genetics and Genomics, ARUP Laboratories
Classification: Benign. Last evaluated: 2025-05-07. Review status: criteria provided, single submitter. Criteria: ARUP Molecular Germline Variant Investigation Process 2024. Collection method: clinical testing. Allele origin: germline.

Blueprint Genetics
Classification: Likely benign. Last evaluated: 2024-10-15. Review status: criteria provided, single submitter. Criteria: ACMG Guidelines, 2015. Collection method: clinical testing. Allele origin: germline.

PreventionGenetics, part of Exact Sciences
Classification: Likely benign for PIEZO1-related condition. Last evaluated: 2024-07-17. Review status: no assertion criteria provided. Collection method: clinical testing. Allele origin: germline. Not counted in ClinVar's aggregate classification.
Comment: This variant is classified as likely benign based on ACMG/AMP sequence variant interpretation guidelines (Richards et al. 2015 PMID: 25741868, with internal and published modifications).